The following is an entry in ClinVar:

NM_000744.7(CHRNA4):c.274-13C>G

Genes: CHRNA4 (cholinergic receptor nicotinic alpha 4 subunit; minus strand), LOC126863087 (P300/CBP strongly-dependent group 1 enhancer GRCh37_chr20:61986832-61988031; plus strand). Cytogenetic location: 20q13.33.
Variant type: single nucleotide variant.
Coding change: c.274-13C>G on transcript NM_000744.7 (MANE Select); 13 bases into the intron before coding-DNA position 274, C replaced by G.
Molecular consequence: intron variant. On other transcripts: non-coding transcript variant (1).
Genome position (GRCh38, 1-based): chr20:63,356,097, G>C on the plus strand (C>G on the coding strand, the complement: CHRNA4 is on the minus strand). VCF-style: chr20-63356097-G-C. GRCh37 (hg19) VCF-style: chr20-61987449-G-C.
Other names: c.-273-13C>G (NM_001256573.2).
Identifiers: ClinVar variation 393060 (VCV000393060.5), dbSNP rs1057524765, ClinGen allele CA16608015.
Genomic context (GRCh38, chr20:63,356,097, plus strand): 5'-ATTCTCATAGTCAGCTGGGTCCCAGCGCAGCTTGTAGTCGTGCCACTCCTGGATGAGGTG[G>C]GGCGGGGGGAGGCTGCAGGGTGAGGGGTGTGGGGGAGGGCAGGGGCGGGACAGGGCCAGG-3'

ClinVar aggregate classification (germline): Conflicting classifications of pathogenicity. Review status: criteria provided, conflicting classifications (1 of 4 stars). 2 submissions from 2 submitters: Uncertain significance (1); Likely benign (1). Last evaluated 2023-11-27.

Conditions:
Familial sleep-related hypermotor epilepsy. Also called: Autosomal Dominant Sleep-Related Hypermotor (Hyperkinetic) Epilepsy. Identifiers: Orphanet 98784, MedGen C3696898, MONDO:0000030.

Allele frequency attached by ClinVar (database versions not stated): gnomAD exomes below 0.00001; TOPMed 0.00001.
gnomAD v4.1: 3 of 1,578,754 alleles (0.00019%); highest among the groups gnomAD compares: African/African-American, 0.0044%; no homozygotes.

Submissions (2):

Labcorp Genetics (formerly Invitae), Labcorp
Classification: Likely benign. Last evaluated: 2023-11-27. Review status: criteria provided, single submitter. Criteria: Invitae Variant Classification Sherloc (09022015). Collection method: clinical testing. Allele origin: germline.

GeneDx
Classification: Uncertain significance. Last evaluated: 2017-01-27. Review status: criteria provided, single submitter. Criteria: GeneDx Variant Classification (06012015). Collection method: clinical testing. Allele origin: germline. Affected: yes.
Comment: The c.274-13C>G variant in the CHRNA4 gene has not been reported previously as a pathogenic variant nor as a benign variant, to our knowledge. This variant reduces the quality of the splice acceptor site in intron 3, and is expected to cause abnormal gene splicing. The c.274-13C>G variant was not observed in approximately 6,500 individuals of European and African American ancestry in the NHLBI Exome Sequencing Project, indicating it is not a common benign variant in these populations. We interpret c.274-13C>G as a variant of uncertain significance.